The following is an entry in ClinVar:

ClinVar aggregate classification (germline): Uncertain significance (1 of 4 stars; one submission).

Conditions:
Peroxisome biogenesis disorder, complementation group K (CGK). Identifiers: MedGen C1866257, MONDO:0800365.

Allele frequency attached by ClinVar (database versions not stated): gnomAD 0.00001.
gnomAD v4.1: 1 of 1,614,032 alleles (0.000062%); highest among the groups gnomAD compares: Admixed American, 0.0017%; no homozygotes.

Submission:

Labcorp Genetics (formerly Invitae), Labcorp
Classification: Uncertain significance for Peroxisome biogenesis disorder, complementation group K. Last evaluated: 2023-12-07. Review status: criteria provided, single submitter. Criteria: Invitae Variant Classification Sherloc (09022015). Collection method: clinical testing. Allele origin: germline.
Comment: This sequence change replaces proline, which is neutral and non-polar, with leucine, which is neutral and non-polar, at codon 82 of the PEX14 protein (p.Pro82Leu). This variant is not present in population databases (gnomAD no frequency). This variant has not been reported in the literature in individuals affected with PEX14-related conditions. ClinVar contains an entry for this variant (Variation ID: 2116151). Advanced modeling of protein sequence and biophysical properties (such as structural, functional, and spatial information, amino acid conservation, physicochemical variation, residue mobility, and thermodynamic stability) performed at Invitae indicates that this missense variant is not expected to disrupt PEX14 protein function with a negative predictive value of 80%. In summary, the available evidence is currently insufficient to determine the role of this variant in disease. Therefore, it has been classified as a Variant of Uncertain Significance.

NM_004565.3(PEX14):c.245C>T (p.Pro82Leu)

Gene: PEX14 (peroxisomal biogenesis factor 14; plus strand). Cytogenetic location: 1p36.22.
Variant type: single nucleotide variant.
Coding change: c.245C>T on transcript NM_004565.3 (MANE Select); coding-DNA position 245, C replaced by T.
Protein change: p.Pro82Leu; replaces proline 82 with leucine.
Molecular consequence: missense variant.
Genome position (GRCh38, 1-based): chr1:10,599,313, C>T. VCF-style: chr1-10599313-C-T. GRCh37 (hg19) VCF-style: chr1-10659370-C-T.
Other names: short protein forms P82L.
Identifiers: ClinVar variation 2116151 (VCV002116151.3), dbSNP rs1640918494, ClinGen allele CA338690446.